The following is an entry in ClinVar:

NM_003743.5(NCOA1):c.3231A>G (p.Leu1077=)

Gene: NCOA1 (nuclear receptor coactivator 1; plus strand). Cytogenetic location: 2p23.3.
Variant type: single nucleotide variant.
Coding change: c.3231A>G on transcript NM_003743.5 (MANE Select); coding-DNA position 3231, A replaced by G.
Protein change: p.Leu1077=; no amino-acid change (leucine 1077 retained).
Molecular consequence: synonymous variant.
Genome position (GRCh38, 1-based): chr2:24,739,461, A>G. VCF-style: chr2-24739461-A-G. GRCh37 (hg19) VCF-style: chr2-24962330-A-G.
Other names: c.3231A>G, p.Leu1077= (NM_001362950.1, NM_001362952.1, NM_001362954.1 and 3 more transcripts).
Identifiers: ClinVar variation 4977953 (VCV004977953.1).

ClinVar aggregate classification (germline): Likely benign (1 of 4 stars; one submission).

Conditions:
NCOA1-related disorder. Also called: NCOA1-related condition.

gnomAD v4.1: 1 of 1,613,922 alleles (0.000062%); highest among the groups gnomAD compares: Non-Finnish European, 0.000085%; no homozygotes.

Submission:

PreventionGenetics, part of Exact Sciences
Classification: Likely benign for NCOA1-related condition. Last evaluated: 2025-01-02. Review status: criteria provided, single submitter. Criteria: ACMG Guidelines, 2015. Collection method: clinical testing. Allele origin: germline.
Comment: This variant is classified as likely benign based on ACMG/AMP sequence variant interpretation guidelines (Richards et al. 2015 PMID: 25741868, with internal and published modifications).